The following is an entry in ClinVar:

NM_000088.4(COL1A1):c.1875+5G>C

Gene: COL1A1 (collagen type I alpha 1 chain; minus strand). Cytogenetic location: 17q21.33.
Variant type: single nucleotide variant.
Coding change: c.1875+5G>C on transcript NM_000088.4 (MANE Select); 5 bases into the intron after coding-DNA position 1875, G replaced by C.
Molecular consequence: intron variant.
Genome position (GRCh38, 1-based): chr17:50,192,792, C>G on the plus strand (G>C on the coding strand, the complement: COL1A1 is on the minus strand). VCF-style: chr17-50192792-C-G. GRCh37 (hg19) VCF-style: chr17-48270153-C-G.
Identifiers: ClinVar variation 280710 (VCV000280710.7), dbSNP rs886041866, ClinGen allele CA10603456.

ClinVar aggregate classification (germline): Pathogenic. Review status: criteria provided, multiple submitters, no conflicts (2 of 4 stars). 2 submissions from 2 submitters: Pathogenic (2). Last evaluated 2023-05-30.

Conditions:
Osteogenesis imperfecta type I (OI1). Also called: Lobstein's Disease; Lobstein disease; Osteogenesis imperfecta type 1; Classic Non-deforming Osteogenesis Imperfecta with Blue Sclerae; OI, TYPE I; OSTEOGENESIS IMPERFECTA TARDA. Identifiers: Orphanet 216796, Orphanet 666, MedGen C0023931, MONDO:0008146, OMIM 166200. Disease mechanism: loss of function.

Submissions (2):

Labcorp Genetics (formerly Invitae), Labcorp
Classification: Pathogenic for Osteogenesis imperfecta type I. Last evaluated: 2023-05-30. Review status: criteria provided, single submitter. Criteria: Invitae Variant Classification Sherloc (09022015). Collection method: clinical testing. Allele origin: germline.
Comment: This sequence change falls in intron 27 of the COL1A1 gene. It does not directly change the encoded amino acid sequence of the COL1A1 protein. It affects a nucleotide within the consensus splice site. This variant is not present in population databases (gnomAD no frequency). This variant has been observed in individual(s) with clinical features of COL1A1-related conditions (Invitae). In at least one individual the variant was observed to be de novo. ClinVar contains an entry for this variant (Variation ID: 280710). Variants that disrupt the consensus splice site are a relatively common cause of aberrant splicing (PMID: 17576681, 9536098). Algorithms developed to predict the effect of sequence changes on RNA splicing suggest that this variant may disrupt the consensus splice site. For these reasons, this variant has been classified as Pathogenic.

GeneDx
Classification: Pathogenic. Last evaluated: 2016-07-14. Review status: criteria provided, single submitter. Criteria: GeneDx Variant Classification (06012015). Collection method: clinical testing. Allele origin: germline. Affected: yes.
Comment: The c.1875+5G>C pathogenic variant in the COL1A1 gene has not been reported previously as a pathogenic variant nor as a benign variant, to our knowledge. This splice site variant destroys the splice donor site in intron 27. It is predicted to cause abnormal gene splicing resulting in an in-frame protein product with an abnormal message. Although the presence of pathogenic variants in the deleted region supports its functional importance, the actual effect of c.1875+5G>C in this individual is unknown in the absence of RNA/functional studies. The c.1875+5G>C variant was not observed in approximately 6,500 individuals of European and African American ancestry in the NHLBI Exome Sequencing Project, indicating it is not a common benign variant in these populations. We interpret c.1875+5G>C as a pathogenic variant.

Literature cited by the submitters: PubMed 17576681 (cited by Labcorp Genetics (formerly Invitae), Labcorp); PubMed 9536098 (cited by Labcorp Genetics (formerly Invitae), Labcorp).